The following is an entry in ClinVar:

ClinVar aggregate classification (germline): Uncertain significance (1 of 4 stars; one submission).

Submission:

GeneDx
Classification: Uncertain significance. Last evaluated: 2024-11-20. Review status: criteria provided, single submitter. Criteria: GeneDx Variant Classification Process June 2021. Collection method: clinical testing. Allele origin: germline. Affected: yes.
Comment: Not observed at significant frequency in large population cohorts (gnomAD); Alters the last nucleotide of the exon and is predicted to destroy the splice donor site and result in aberrant splicing, although in the absence of functional evidence the actual effect of this sequence change is unknown; In silico analysis supports that this missense variant has a deleterious effect on protein structure/function; Has not been previously published as pathogenic or benign to our knowledge

NM_003403.5(YY1):c.1062G>C (p.Gln354His)

Gene: YY1 (YY1 transcription factor; plus strand). Cytogenetic location: 14q32.2.
Variant type: single nucleotide variant.
Coding change: c.1062G>C on transcript NM_003403.5 (MANE Select); coding-DNA position 1062, G replaced by C.
Protein change: p.Gln354His; replaces glutamine 354 with histidine.
Molecular consequence: missense variant.
Genome position (GRCh38, 1-based): chr14:100,276,648, G>C. VCF-style: chr14-100276648-G-C. GRCh37 (hg19) VCF-style: chr14-100742985-G-C.
Other names: short protein forms Q354H.
Identifiers: ClinVar variation 3900380 (VCV003900380.1).
Genomic context (GRCh38, chr14:100,276,648, plus strand): 5'-TGTTGAGAGTTCAAAACTAAAACGACACCAACTGGTTCATACTGGAGAGAAGCCCTTTCA[G>C]GTAGAGCCAGTTCCCTCTCTTCCCCACACTGCCTTGCCTGTCTGAACACTGCAAGTGTAG-3'
Protein context (NP_003394.1, residues 344-364): QLVHTGEKPF[Gln354His]CTFEGCGKRF